The following is an entry in ClinVar:

NM_001080.3(ALDH5A1):c.660_666del (p.Ala221fs)

Gene: ALDH5A1 (aldehyde dehydrogenase 5 family member A1; plus strand). Cytogenetic location: 6p22.3.
Variant type: Deletion.
Coding change: c.660_666del on transcript NM_001080.3 (MANE Select); coding-DNA positions 660 to 666, 7 bases deleted (AGCCGGC; older notation c.660_666delAGCCGGC).
Protein change: p.Ala221fs; shifts the reading frame from alanine 221.
Molecular consequence: frameshift variant.
Genome position (GRCh38, 1-based): chr6:24,504,919-24,504,925, AGCCGGC deleted; deleting any 7 consecutive bases within chr6:24,504,916-24,504,925 gives the same sequence; the c. name uses the placement nearest the transcript's 3' end. VCF-style (leftmost placement, unchanged base first): chr6-24504915-TGGCAGCC-T. GRCh37 (hg19) VCF-style: chr6-24505143-TGGCAGCC-T.
Other names: c.660_666del, p.Ala221fs (NM_001368954.1, NM_170740.1); short protein forms A221fs.
Identifiers: ClinVar variation 1435168 (VCV001435168.6), dbSNP rs2127382929, ClinGen allele CA2573140150.
Genomic context (GRCh38, chr6:24,504,915, plus strand): 5'-TCTTCTAACCCCAGTGGAATTTCCCCAGTGCCATGATCACCCGGAAGGTGGGGGCCGCCC[TGGCAGCC>T]GGCTGTACTGTCGTGGTGAAGCCTGCCGAAGACACGCCCTTCTCCGCCCTGGCCCTGGCT-3'

ClinVar aggregate classification (germline): Pathogenic (1 of 4 stars; one submission).

Conditions:
Succinate-semialdehyde dehydrogenase deficiency (SSADHD). Also called: 4-HYDROXYBUTYRIC ACIDURIA; GABA METABOLIC DEFECT; SSADH DEFICIENCY; Succinic Semialdehyde Dehydrogenase Deficiency. Identifiers: Orphanet 22, MedGen C0268631, MONDO:0010083, OMIM 271980.

Submission:

Labcorp Genetics (formerly Invitae), Labcorp
Classification: Pathogenic for Succinate-semialdehyde dehydrogenase deficiency. Last evaluated: 2024-02-24. Review status: criteria provided, single submitter. Criteria: Invitae Variant Classification Sherloc (09022015). Collection method: clinical testing. Allele origin: germline.
Comment: This sequence change creates a premature translational stop signal (p.Ala221Valfs*5) in the ALDH5A1 gene. It is expected to result in an absent or disrupted protein product. Loss-of-function variants in ALDH5A1 are known to be pathogenic (PMID: 14635103). This variant is not present in population databases (gnomAD no frequency). This variant has not been reported in the literature in individuals affected with ALDH5A1-related conditions. ClinVar contains an entry for this variant (Variation ID: 1435168). For these reasons, this variant has been classified as Pathogenic.

Literature cited by the submitters: PubMed 14635103.